The following is an entry in ClinVar:

ClinVar aggregate classification (germline): Benign. Review status: criteria provided, multiple submitters, no conflicts (2 of 4 stars). 2 submissions from 2 submitters: Benign (2). Last evaluated 2018-06-14.

Allele frequency attached by ClinVar (database versions not stated): gnomAD exomes 0.03198 and 0.04923; ESP Exome Variant Server 0.03973; gnomAD 0.04941 and 0.05024; ExAC 0.05076; TOPMed 0.05275; 1000 Genomes Project 30x 0.07714; 1000 Genomes Project 0.08047.
gnomAD v4.1: 53,951 of 1,591,360 alleles (3.4%); highest among the groups gnomAD compares: East Asian, 19%; 1,794 homozygotes.

Submissions (2):

GeneDx
Classification: Benign. Last evaluated: 2018-06-14. Review status: criteria provided, single submitter. Criteria: GeneDx Variant Classification (06012015). Collection method: clinical testing. Allele origin: germline. Affected: yes.
Comment: This variant is considered likely benign or benign based on one or more of the following criteria: it is a conservative change, it occurs at a poorly conserved position in the protein, it is predicted to be benign by multiple in silico algorithms, and/or has population frequency not consistent with disease.

Breakthrough Genomics
Classification: Benign. Review status: criteria provided, single submitter. Criteria: ACMG Guidelines, 2015. Collection method: not provided. Allele origin: germline. Inheritance: Autosomal recessive inheritance. Affected: yes.

NM_001267550.2(TTN):c.26483-35T>C

Gene: TTN (titin; minus strand). Cytogenetic location: 2q31.2.
Variant type: single nucleotide variant.
Coding change: c.26483-35T>C on transcript NM_001267550.2 (MANE Select); 35 bases into the intron before coding-DNA position 26483, T replaced by C.
Molecular consequence: intron variant.
Genome position (GRCh38, 1-based): chr2:178,714,210, A>G on the plus strand (T>C on the coding strand, the complement: TTN is on the minus strand). VCF-style: chr2-178714210-A-G. GRCh37 (hg19) VCF-style: chr2-179578937-A-G.
Other names: c.13282+23872T>C (NM_003319.4); c.13858+23872T>C (NM_133437.4); c.13657+23872T>C (NM_133432.3); c.22751-35T>C (NM_133378.4); c.25532-35T>C (NM_001256850.1).
Identifiers: ClinVar variation 671271 (VCV000671271.2), dbSNP rs2742330, ClinGen allele CA1999988.